The following is an entry in ClinVar:

NM_021167.5(GATAD1):c.106C>T (p.Arg36Trp)

Genes: GATAD1 (GATA zinc finger domain containing 1; plus strand), LOC129998793 (ATAC-STARR-seq lymphoblastoid silent region 18371; plus strand). Cytogenetic location: 7q21.2.
Variant type: single nucleotide variant.
Coding change: c.106C>T on transcript NM_021167.5 (MANE Select); coding-DNA position 106, C replaced by T.
Protein change: p.Arg36Trp; replaces arginine 36 with tryptophan.
Molecular consequence: missense variant. On other transcripts: non-coding transcript variant (1).
Genome position (GRCh38, 1-based): chr7:92,447,835, C>T. VCF-style: chr7-92447835-C-T. GRCh37 (hg19) VCF-style: chr7-92077149-C-T.
Other names: short protein forms R36W.
Identifiers: ClinVar variation 834600 (VCV000834600.12), dbSNP rs1166946596, ClinGen allele CA368155091.
Genomic context (GRCh38, chr7:92,447,835, plus strand): 5'-TCGTCCTCCATGTGGAAGAAGGGAGCGCAGGGGGAGATCCTCTGCCATCATTGCACTGGC[C>T]GGGGCGGCGCGGGCAGCGGGGGCGCAGGCTCGGGGGCGGCTGGAGGGACTGGGGGCAGCG-3'
Protein context (NP_066990.3, residues 26-46): GEILCHHCTG[Arg36Trp]GGAGSGGAGS

ClinVar aggregate classification (germline): Uncertain significance. Review status: criteria provided, multiple submitters, no conflicts (2 of 4 stars). 2 submissions from 2 submitters: Uncertain significance (2). Last evaluated 2025-09-03.

Conditions:
Dilated cardiomyopathy 2B. Identifiers: Orphanet 154, MedGen C3553409, MONDO:0013848, OMIM 614672.
Cardiovascular phenotype. Identifiers: MedGen CN230736.

Submissions (2):

Labcorp Genetics (formerly Invitae), Labcorp
Classification: Uncertain significance for Dilated cardiomyopathy 2B. Last evaluated: 2025-09-03. Review status: criteria provided, single submitter. Criteria: Invitae Variant Classification Sherloc (09022015). Collection method: clinical testing. Allele origin: germline.
Comment: This sequence change replaces arginine, which is basic and polar, with tryptophan, which is neutral and slightly polar, at codon 36 of the GATAD1 protein (p.Arg36Trp). This variant is not present in population databases (gnomAD no frequency). This variant has not been reported in the literature in individuals affected with GATAD1-related conditions. ClinVar contains an entry for this variant (Variation ID: 834600). Invitae Evidence Modeling of protein sequence and biophysical properties (such as structural, functional, and spatial information, amino acid conservation, physicochemical variation, residue mobility, and thermodynamic stability) indicates that this missense variant is not expected to disrupt GATAD1 protein function with a negative predictive value of 80%. In summary, the available evidence is currently insufficient to determine the role of this variant in disease. Therefore, it has been classified as a Variant of Uncertain Significance.

Ambry Genetics
Classification: Uncertain significance for Cardiovascular phenotype. Last evaluated: 2022-05-30. Review status: criteria provided, single submitter. Criteria: Ambry Variant Classification Scheme 2023. Collection method: clinical testing. Allele origin: germline.
Comment: The p.R36W variant (also known as c.106C>T), located in coding exon 1 of the GATAD1 gene, results from a C to T substitution at nucleotide position 106. The arginine at codon 36 is replaced by tryptophan, an amino acid with dissimilar properties. This amino acid position is conserved. In addition, the in silico prediction for this alteration is inconclusive. Since supporting evidence is limited at this time, the clinical significance of this alteration remains unclear.